The following is an entry in ClinVar:

ClinVar aggregate classification (germline): Pathogenic. Review status: criteria provided, multiple submitters, no conflicts (2 of 4 stars). 2 submissions from 2 submitters: Pathogenic (2). Last evaluated 2025-09-21.

Conditions:
Dyskeratosis congenita, autosomal dominant 2. Identifiers: MedGen C3151443, MONDO:0013521, OMIM 613989.
Idiopathic Pulmonary Fibrosis. Also called: Idiopathic fibrosing alveolitis, chronic form; idiopathic fibrosing alveolitis. Identifiers: Orphanet 2032, MedGen C1800706, MeSH D054990, MONDO:0800504.
Dyskeratosis congenita. Identifiers: Orphanet 1775, MedGen C0265965, MONDO:0015780.

Submissions (2):

Labcorp Genetics (formerly Invitae), Labcorp
Classification: Pathogenic for Dyskeratosis congenita, autosomal dominant 2; Idiopathic Pulmonary Fibrosis. Last evaluated: 2025-09-21. Review status: criteria provided, single submitter. Criteria: Invitae Variant Classification Sherloc (09022015). Collection method: clinical testing. Allele origin: germline.
Comment: This sequence change creates a premature translational stop signal (p.Ser1037*) in the TERT gene. It is expected to result in an absent or disrupted protein product. Loss-of-function variants in TERT are known to be pathogenic (PMID: 16247010, 17460043). This variant is not present in population databases (gnomAD no frequency). This variant has not been reported in the literature in individuals affected with TERT-related conditions. ClinVar contains an entry for this variant (Variation ID: 539193). For these reasons, this variant has been classified as Pathogenic.

Ambry Genetics
Classification: Pathogenic for Dyskeratosis congenita. Last evaluated: 2025-05-16. Review status: criteria provided, single submitter. Criteria: Ambry Variant Classification Scheme 2023. Collection method: clinical testing. Allele origin: germline.
Comment: The c.3110_3111delCT pathogenic mutation, located in coding exon 14 of the TERT gene, results from a deletion of two nucleotides at nucleotide positions 3110 to 3111, causing a translational frameshift with a predicted alternate stop codon (p.S1037*). This variant is considered to be rare based on population cohorts in the Genome Aggregation Database (gnomAD). This alteration is expected to result in loss of function by premature protein truncation or nonsense-mediated mRNA decay. As such, this alteration is interpreted as a disease-causing mutation.

Literature cited by the submitters: PubMed 16247010 (cited by Labcorp Genetics (formerly Invitae), Labcorp); PubMed 17460043 (cited by Labcorp Genetics (formerly Invitae), Labcorp).

NM_198253.3(TERT):c.3110_3111del (p.Ile1036_Ser1037insTer)

Gene: TERT (telomerase reverse transcriptase; minus strand). Cytogenetic location: 5p15.33.
Variant type: Microsatellite.
Coding change: c.3110_3111del on transcript NM_198253.3 (MANE Select); coding-DNA positions 3110 to 3111, 2 bases deleted (CT; older notation c.3110_3111delCT).
Protein change: p.Ile1036_Ser1037insTer.
Molecular consequence: nonsense. On other transcripts: non-coding transcript variant (2).
Genome position (GRCh38, 1-based): chr5:1,255,333-1,255,334, AG deleted on the plus strand (CT on the coding strand, the reverse complement: TERT is on the minus strand); deleting any 2 consecutive bases within chr5:1,255,333-1,255,337 gives the same sequence; the c. name uses the placement nearest the transcript's 3' end. VCF-style (leftmost placement, unchanged base first): chr5-1255332-CAG-C. GRCh37 (hg19) VCF-style: chr5-1255447-CAG-C.
Other names: c.3110_3111delCT (NM_198253.2); c.2921_2922del, p.Ile973_Ser974insTer (NM_001193376.3).
Identifiers: ClinVar variation 539193 (VCV000539193.11), dbSNP rs1554038257, ClinGen allele CA658796484.